The following is an entry in ClinVar:

ClinVar aggregate classification (germline): Uncertain significance. Review status: criteria provided, multiple submitters, no conflicts (2 of 4 stars). 3 submissions from 3 submitters: Uncertain significance (2). 1 of the submissions does not count toward it. Last evaluated 2023-10-24.

Conditions:
Hereditary cancer-predisposing syndrome. Also called: Hereditary Cancer Syndrome; Hereditary neoplastic syndrome; Neoplastic Syndromes, Hereditary; Tumor predisposition. Identifiers: Orphanet 140162, MedGen C0027672, MeSH D009386, MONDO:0015356.
Familial adenomatous polyposis 1 (FAP1). Also called: FAMILIAL ADENOMATOUS POLYPOSIS 1, ATTENUATED; POLYPOSIS, ADENOMATOUS INTESTINAL. Identifiers: MedGen C2713442, MONDO:0021056, OMIM 175100. Disease mechanism: loss of function.

Submissions (3):

Ambry Genetics
Classification: Uncertain significance for Hereditary cancer-predisposing syndrome. Last evaluated: 2023-10-24. Review status: criteria provided, single submitter. Criteria: Ambry Variant Classification Scheme 2023. Collection method: clinical testing. Allele origin: germline.
Comment: The p.F82I variant (also known as c.244T>A), located in coding exon 3 of the APC gene, results from a T to A substitution at nucleotide position 244. The phenylalanine at codon 82 is replaced by isoleucine, an amino acid with highly similar properties. This amino acid position is highly conserved in available vertebrate species. In addition, in silico predictors for this gene do not accurately predict pathogenicity. Since supporting evidence is limited at this time, the clinical significance of this alteration remains unclear.

Labcorp Genetics (formerly Invitae), Labcorp
Classification: Uncertain significance for Familial adenomatous polyposis 1. Last evaluated: 2021-11-08. Review status: criteria provided, single submitter. Criteria: Invitae Variant Classification Sherloc (09022015). Collection method: clinical testing. Allele origin: germline.
Comment: This sequence change replaces phenylalanine, which is neutral and non-polar, with isoleucine, which is neutral and non-polar, at codon 82 of the APC protein (p.Phe82Ile). This variant is not present in population databases (gnomAD no frequency). This variant has not been reported in the literature in individuals affected with APC-related conditions. ClinVar contains an entry for this variant (Variation ID: 217950). Algorithms developed to predict the effect of missense changes on protein structure and function (SIFT, PolyPhen-2, Align-GVGD) all suggest that this variant is likely to be tolerated. In summary, the available evidence is currently insufficient to determine the role of this variant in disease. Therefore, it has been classified as a Variant of Uncertain Significance.

Mayo Clinic Laboratories, Mayo Clinic
Classification: Uncertain significance. Review status: no assertion criteria provided. Collection method: research. Allele origin: unknown. Observed: 1 variant allele. Not counted in ClinVar's aggregate classification.

NM_000038.6(APC):c.244T>A (p.Phe82Ile)

Gene: APC (APC regulator of Wnt signaling pathway; plus strand). Cytogenetic location: 5q22.2.
Variant type: single nucleotide variant.
Coding change: c.244T>A on transcript NM_000038.6 (MANE Select); coding-DNA position 244, T replaced by A.
Protein change: p.Phe82Ile; replaces phenylalanine 82 with isoleucine.
Molecular consequence: missense variant. On other transcripts: 5 prime UTR variant (1).
Genome position (GRCh38, 1-based): chr5:112,767,212, T>A. VCF-style: chr5-112767212-T-A. GRCh37 (hg19) VCF-style: chr5-112102909-T-A.
Other names: c.244T>A, p.Phe82Ile (NM_001127510.3, NM_001354895.2, NM_001354896.2 and 2 more transcripts); c.274T>A, p.Phe92Ile (NM_001127511.3, NM_001354897.2, NM_001354902.2); c.169T>A, p.Phe57Ile (NM_001354898.2, NM_001354904.2); c.67T>A, p.Phe23Ile (NM_001354900.2, NM_001354901.2, NM_001354905.2); c.-792T>A (NM_001354906.2); short protein forms F82I, F92I, F57I, F23I.
Identifiers: ClinVar variation 217950 (VCV000217950.10), dbSNP rs863225329, ClinGen allele CA279662.